The following is an entry in ClinVar:

NM_001166108.2(PALLD):c.2012A>G (p.Glu671Gly)

Gene: PALLD (palladin, cytoskeletal associated protein; plus strand). Cytogenetic location: 4q32.3.
Variant type: single nucleotide variant.
Coding change: c.2012A>G on transcript NM_001166108.2 (MANE Select); coding-DNA position 2012, A replaced by G.
Protein change: p.Glu671Gly; replaces glutamic acid 671 with glycine.
Molecular consequence: missense variant. On other transcripts: 5 prime UTR variant (4).
Genome position (GRCh38, 1-based): chr4:168,890,969, A>G. VCF-style: chr4-168890969-A-G. GRCh37 (hg19) VCF-style: chr4-169812120-A-G.
Other names: c.866A>G, p.Glu289Gly (NM_001166109.2); c.551A>G, p.Glu184Gly (NM_001166110.2); c.-110A>G (NM_001367567.1, NM_001367568.1, NM_001367569.1 and 1 more transcripts); c.2012A>G, p.Glu671Gly (NM_016081.4); short protein forms E289G, E671G, E184G.
Identifiers: ClinVar variation 3413605 (VCV003413605.1).

ClinVar aggregate classification (germline): Uncertain significance (1 of 4 stars; one submission).

Submission:

Ambry Genetics
Classification: Uncertain significance. Last evaluated: 2024-08-27. Review status: criteria provided, single submitter. Criteria: Ambry Variant Classification Scheme 2023. Collection method: clinical testing. Allele origin: germline.
Comment: The p.E671G variant (also known as c.2012A>G), located in coding exon 10 of the PALLD gene, results from an A to G substitution at nucleotide position 2012. The glutamic acid at codon 671 is replaced by glycine, an amino acid with similar properties. This amino acid position is conserved. In addition, this alteration is predicted to be tolerated by in silico analysis. Based on the available evidence, the clinical significance of this variant remains unclear.